The following is an entry in ClinVar:

NM_194454.3(KRIT1):c.729G>C (p.Arg243=)

Gene: KRIT1 (KRIT1 ankyrin repeat containing; minus strand). Cytogenetic location: 7q21.2.
Variant type: single nucleotide variant.
Coding change: c.729G>C on transcript NM_194454.3 (MANE Select); coding-DNA position 729, G replaced by C.
Protein change: p.Arg243=; no amino-acid change (arginine 243 retained).
Molecular consequence: synonymous variant. On other transcripts: intron variant (1).
Genome position (GRCh38, 1-based): chr7:92,235,403, C>G on the plus strand (G>C on the coding strand, the complement: KRIT1 is on the minus strand). VCF-style: chr7-92235403-C-G. GRCh37 (hg19) VCF-style: chr7-91864717-C-G.
Other names: c.729G>C, p.Arg243= (NM_001013406.2, NM_001350669.1, NM_001350670.1 and 29 more transcripts); c.15+131G>C (NM_001350671.1).
Identifiers: ClinVar variation 1509138 (VCV001509138.8), dbSNP rs749407592, ClinGen allele CA456466396.

ClinVar aggregate classification (germline): Uncertain significance (1 of 4 stars; one submission).

Conditions:
Cerebral cavernous malformation (CCM). Also called: Cavernous Hemangioma of Brain; Cerebral cavernous malformations; CEREBRAL CAPILLARY MALFORMATIONS; CAVERNOUS ANGIOMA, FAMILIAL; CAVERNOUS ANGIOMATOUS MALFORMATIONS; Cerebral cavernous hemangioma (type). Identifiers: Orphanet 221061, MedGen C2919945, MONDO:0000820, OMIM 116860, HP:0033522.

Submission:

Labcorp Genetics (formerly Invitae), Labcorp
Classification: Uncertain significance for Cerebral cavernous malformation. Last evaluated: 2021-05-29. Review status: criteria provided, single submitter. Criteria: Invitae Variant Classification Sherloc (09022015). Collection method: clinical testing. Allele origin: germline.
Comment: In summary, the available evidence is currently insufficient to determine the role of this variant in disease. Therefore, it has been classified as a Variant of Uncertain Significance. This variant disrupts the c.729G nucleotide in the KRIT1 gene. Other variant(s) that disrupt this nucleotide have been determined to be pathogenic (PMID: 17277691). This suggests that this nucleotide is clinically significant, and that variants that disrupt this position are likely to be disease-causing. Nucleotide substitutions within the consensus splice site are a relatively common cause of aberrant splicing (PMID: 17576681, 9536098). Algorithms developed to predict the effect of sequence changes on RNA splicing suggest that this variant may disrupt the consensus splice site, but this prediction has not been confirmed by published transcriptional studies. This variant has been observed in individual(s) with cerebral cavernous malformation (Invitae). This variant is not present in population databases (ExAC no frequency). This sequence change affects codon 243 of the KRIT1 mRNA. It is a 'silent' change, meaning that it does not change the encoded amino acid sequence of the KRIT1 protein. This variant also falls at the last nucleotide of exon 9, which is part of the consensus splice site for this exon.

Literature cited by the submitters: PubMed 17277691; PubMed 17576681; PubMed 9536098.